The following is an entry in ClinVar:

ClinVar aggregate classification (germline): Uncertain significance. Review status: criteria provided, multiple submitters, no conflicts (2 of 4 stars). 2 submissions from 2 submitters: Uncertain significance (2). Last evaluated 2025-07-01.

Conditions:
Ehlers-Danlos syndrome, musculocontractural type (EDSMC). Also called: ARTHROGRYPOSIS, DISTAL, WITH PECULIAR FACIES AND HYDRONEPHROSIS; ADDUCTED THUMB-CLUBFOOT SYNDROME; Adducted thumb, clubfoot, progressive joint and skin laxity syndrome; DUNDAR SYNDROME. Identifiers: Orphanet 2953, MedGen C1866294, MONDO:0011142.

Allele frequency attached by ClinVar (database versions not stated): gnomAD exomes 0.00002.
gnomAD v4.1: 18 of 1,557,936 alleles (0.0012%); highest among the groups gnomAD compares: South Asian, 0.0082%; no homozygotes.

Submissions (2):

Mayo Clinic Laboratories, Mayo Clinic
Classification: Uncertain significance. Last evaluated: 2025-07-01. Review status: criteria provided, single submitter. Criteria: ACMG Guidelines, 2015. Collection method: clinical testing. Allele origin: germline. Observed: 1 variant allele.
Comment: BP4_moderate

Labcorp Genetics (formerly Invitae), Labcorp
Classification: Uncertain significance for Ehlers-Danlos syndrome, musculocontractural type. Last evaluated: 2021-08-28. Review status: criteria provided, single submitter. Criteria: Invitae Variant Classification Sherloc (09022015). Collection method: clinical testing. Allele origin: germline.
Comment: This sequence change replaces alanine with threonine at codon 66 of the CHST14 protein (p.Ala66Thr). The alanine residue is moderately conserved and there is a small physicochemical difference between alanine and threonine. The frequency data for this variant in the population databases is considered unreliable, as metrics indicate insufficient coverage at this position in the ExAC database. This variant has not been reported in the literature in individuals affected with CHST14-related conditions. Algorithms developed to predict the effect of missense changes on protein structure and function (SIFT, PolyPhen-2, Align-GVGD) all suggest that this variant is likely to be tolerated. In summary, the available evidence is currently insufficient to determine the role of this variant in disease. Therefore, it has been classified as a Variant of Uncertain Significance.

NM_130468.4(CHST14):c.196G>A (p.Ala66Thr)

Gene: CHST14 (carbohydrate sulfotransferase 14; plus strand). Cytogenetic location: 15q15.1.
Variant type: single nucleotide variant.
Coding change: c.196G>A on transcript NM_130468.4 (MANE Select); coding-DNA position 196, G replaced by A.
Protein change: p.Ala66Thr; replaces alanine 66 with threonine.
Molecular consequence: missense variant.
Genome position (GRCh38, 1-based): chr15:40,471,409, G>A. VCF-style: chr15-40471409-G-A. GRCh37 (hg19) VCF-style: chr15-40763608-G-A.
Other names: p.Ala66Thr; short protein forms A66T.
Identifiers: ClinVar variation 967018 (VCV000967018.8), dbSNP rs1394541294, ClinGen allele CA391764207.
Genomic context (GRCh38, chr15:40,471,409, plus strand): 5'-ATGTTTGCGGTGATCGTGGCCTCCAGCGGGCTGCTGCTCATGATCGAGCGGGGCATCCTG[G>A]CCGAGATGAAGCCCCTGCCCCTGCACCCGCCCGGCCGCGAGGGCACAGCCTGGCGCGGGA-3'
Protein context (NP_569735.1, residues 56-76): LLLMIERGIL[Ala66Thr]EMKPLPLHPP